The following is an entry in ClinVar:

ClinVar aggregate classification (germline): Pathogenic (1 of 4 stars; one submission).

Allele frequency attached by ClinVar (database versions not stated): gnomAD exomes below 0.00001; ExAC 0.00001.

Submission:

Labcorp Genetics (formerly Invitae), Labcorp
Classification: Pathogenic. Last evaluated: 2023-08-19. Review status: criteria provided, single submitter. Criteria: Invitae Variant Classification Sherloc (09022015). Collection method: clinical testing. Allele origin: germline.
Comment: This variant has not been reported in the literature in individuals affected with OTOF-related conditions. For these reasons, this variant has been classified as Pathogenic. This variant is present in population databases (rs765067013, gnomAD 0.0009%). This sequence change creates a premature translational stop signal (p.Gln140*) in the OTOF gene. It is expected to result in an absent or disrupted protein product. Loss-of-function variants in OTOF are known to be pathogenic (PMID: 18381613, 19250381, 22575033).

Literature cited by the submitters: PubMed 18381613; PubMed 19250381; PubMed 22575033.

NM_194248.3(OTOF):c.418C>T (p.Gln140Ter)

Gene: OTOF (otoferlin; minus strand). Cytogenetic location: 2p23.3.
Variant type: single nucleotide variant.
Coding change: c.418C>T on transcript NM_194248.3 (MANE Select); coding-DNA position 418, C replaced by T.
Protein change: p.Gln140Ter; replaces glutamine 140 with a stop codon.
Molecular consequence: nonsense.
Genome position (GRCh38, 1-based): chr2:26,516,509, G>A on the plus strand (C>T on the coding strand, the complement: OTOF is on the minus strand). VCF-style: chr2-26516509-G-A. GRCh37 (hg19) VCF-style: chr2-26739377-G-A.
Other names: c.418C>T, p.Gln140Ter (NM_001287489.2); short protein forms Q140*.
Identifiers: ClinVar variation 2870800 (VCV002870800.3), dbSNP rs765067013, ClinGen allele CA1564674.